The following is an entry in ClinVar:

NM_182914.3(SYNE2):c.19568C>T (p.Thr6523Met)

Gene: SYNE2 (spectrin repeat containing nuclear envelope protein 2; plus strand). Cytogenetic location: 14q23.2.
Variant type: single nucleotide variant.
Coding change: c.19568C>T on transcript NM_182914.3 (MANE Select); coding-DNA position 19568, C replaced by T.
Protein change: p.Thr6523Met; replaces threonine 6523 with methionine.
Molecular consequence: missense variant.
Genome position (GRCh38, 1-based): chr14:64,218,423, C>T. VCF-style: chr14-64218423-C-T. GRCh37 (hg19) VCF-style: chr14-64685141-C-T.
Other names: c.19499C>T, p.Thr6500Met (NM_015180.6); c.92C>T, p.Thr31Met (NM_182910.2); c.470C>T, p.Thr157Met (NM_182913.4); c.19568C>T (NM_182914.2); short protein forms T157M, T6500M, T6523M, T31M.
Identifiers: ClinVar variation 1911852 (VCV001911852.9), dbSNP rs556226477, ClinGen allele CA7224503.

ClinVar aggregate classification (germline): Uncertain significance. Review status: criteria provided, multiple submitters, no conflicts (2 of 4 stars). 3 submissions from 3 submitters: Uncertain significance (3). Last evaluated 2025-09-20.

Conditions:
Emery-Dreifuss muscular dystrophy 5, autosomal dominant (EDMD5). Also called: EMERY-DREIFUSS MUSCULAR DYSTROPHY 5. Identifiers: Orphanet 261, MedGen C2751805, MONDO:0013072, OMIM 612999.

Allele frequency attached by ClinVar (database versions not stated): ExAC 0.00001; TOPMed 0.00001; gnomAD exomes 0.00002; gnomAD 0.00003.
gnomAD v4.1: 38 of 1,614,028 alleles (0.0024%); highest among the groups gnomAD compares: East Asian, 0.011%; no homozygotes.

Submissions (3):

Labcorp Genetics (formerly Invitae), Labcorp
Classification: Uncertain significance for Emery-Dreifuss muscular dystrophy 5, autosomal dominant. Last evaluated: 2025-09-20. Review status: criteria provided, single submitter. Criteria: Invitae Variant Classification Sherloc (09022015). Collection method: clinical testing. Allele origin: germline.
Comment: This sequence change replaces threonine, which is neutral and polar, with methionine, which is neutral and non-polar, at codon 6523 of the SYNE2 protein (p.Thr6523Met). This variant is present in population databases (rs556226477, gnomAD 0.01%). This variant has not been reported in the literature in individuals affected with SYNE2-related conditions. ClinVar contains an entry for this variant (Variation ID: 1911852). An algorithm developed to predict the effect of missense changes on protein structure and function outputs the following: PolyPhen-2: "Probably Damaging". The methionine amino acid residue is found in multiple mammalian species, which suggests that this missense change does not adversely affect protein function. In summary, the available evidence is currently insufficient to determine the role of this variant in disease. Therefore, it has been classified as a Variant of Uncertain Significance.

Ambry Genetics
Classification: Uncertain significance. Last evaluated: 2024-07-30. Review status: criteria provided, single submitter. Criteria: Ambry Variant Classification Scheme 2023. Collection method: clinical testing. Allele origin: germline.

Revvity Omics, Revvity
Classification: Uncertain significance for Emery-Dreifuss muscular dystrophy 5, autosomal dominant. Last evaluated: 2019-05-31. Review status: criteria provided, single submitter. Criteria: ACMG Guidelines, 2015. Collection method: clinical testing. Allele origin: germline.